The following is an entry in ClinVar:

ClinVar aggregate classification (germline): Pathogenic (1 of 4 stars; one submission).

Conditions:
Joubert syndrome 3 (JBTS3). Also called: AHI1-related Ciliopathy. Identifiers: Orphanet 220493, MedGen C1837713, MONDO:0012078, OMIM 608629.

Submission:

Myriad Genetics, Inc.
Classification: Pathogenic for Joubert syndrome 3. Last evaluated: 2026-08-29. Review status: criteria provided, single submitter. Criteria: Myriad Autosomal Dominant, Autosomal Recessive and X-Linked Classification Criteria (2023). Collection method: clinical testing. Allele origin: unknown.
Comment: NM_001134831.1(AHI1):c.859C>T(Q287*) is expected to be pathogenic in the context of Joubert syndrome, AHI1-related. This variant is predicted to lead to an abnormal or absent protein product due to the creation of a premature termination codon in AHI1, a gene where loss-of-function variants are known to be pathogenic. Please note: this variant was assessed in the context of healthy population screening.

NM_001134831.2(AHI1):c.859C>T (p.Gln287Ter)

Gene: AHI1 (Abelson helper integration site 1; minus strand). Cytogenetic location: 6q23.3.
Variant type: single nucleotide variant.
Coding change: c.859C>T on transcript NM_001134831.2 (MANE Select); coding-DNA position 859, C replaced by T.
Protein change: p.Gln287Ter; replaces glutamine 287 with a stop codon.
Molecular consequence: nonsense.
Genome position (GRCh38, 1-based): chr6:135,463,197, G>A on the plus strand (C>T on the coding strand, the complement: AHI1 is on the minus strand). VCF-style: chr6-135463197-G-A. GRCh37 (hg19) VCF-style: chr6-135784335-G-A.
Other names: c.859C>T, p.Gln287Ter (NM_001134830.2, NM_001134832.2, NM_001350503.2 and 2 more transcripts); short protein forms Q287*.
Identifiers: ClinVar variation 5016301 (VCV005016301.1).